The following is an entry in ClinVar:

NM_198578.4(LRRK2):c.469A>C (p.Ser157Arg)

Gene: LRRK2 (leucine rich repeat kinase 2; plus strand). Cytogenetic location: 12q12.
Variant type: single nucleotide variant.
Coding change: c.469A>C on transcript NM_198578.4 (MANE Select); coding-DNA position 469, A replaced by C.
Protein change: p.Ser157Arg; replaces serine 157 with arginine.
Molecular consequence: missense variant.
Genome position (GRCh38, 1-based): chr12:40,238,001, A>C. VCF-style: chr12-40238001-A-C. GRCh37 (hg19) VCF-style: chr12-40631803-A-C.
Other names: short protein forms S157R.
Identifiers: ClinVar variation 3291851 (VCV003291851.1).
Genomic context (GRCh38, chr12:40,238,001, plus strand): 5'-TCAGAGCATATTATTCTCTTTAAAATAGGTAAAATCACCTTGCTGATATTGGATGAAGAA[A>C]GTGATATTTTCATGTTAATTTTTGATGCCATGCACTCATTTCCAGCCAATGATGAAGTCC-3'
Protein context (NP_940980.4, residues 147-167): KITLLILDEE[Ser157Arg]DIFMLIFDAM

ClinVar aggregate classification (germline): Uncertain significance (1 of 4 stars; one submission).

Conditions:
Inborn genetic diseases. Identifiers: MedGen C0950123, MeSH D030342.

Submission:

Ambry Genetics
Classification: Uncertain significance for Inborn genetic diseases. Last evaluated: 2024-06-23. Review status: criteria provided, single submitter. Criteria: Ambry Variant Classification Scheme 2023. Collection method: clinical testing. Allele origin: germline.
Comment: The p.S157R variant (also known as c.469A>C), located in coding exon 5 of the LRRK2 gene, results from an A to C substitution at nucleotide position 469. The serine at codon 157 is replaced by arginine, an amino acid with dissimilar properties. This amino acid position is conserved. In addition, this alteration is predicted to be tolerated by in silico analysis. Based on the available evidence, the clinical significance of this variant remains unclear.